The following is an entry in ClinVar:

NM_000717.5(CA4):c.*17G>A

Gene: CA4 (carbonic anhydrase 4; plus strand). Cytogenetic location: 17q23.1.
Variant type: single nucleotide variant.
Coding change: c.*17G>A on transcript NM_000717.5 (MANE Select); 17 bases downstream of the stop codon, G replaced by A.
Molecular consequence: 3 prime UTR variant. On other transcripts: non-coding transcript variant (1).
Genome position (GRCh38, 1-based): chr17:60,159,441, G>A. VCF-style: chr17-60159441-G-A. GRCh37 (hg19) VCF-style: chr17-58236802-G-A.
Identifiers: ClinVar variation 889394 (VCV000889394.4), dbSNP rs2229179, ClinGen allele CA8685581.

ClinVar aggregate classification (germline): Benign (1 of 4 stars; one submission).

Conditions:
Retinitis pigmentosa (RP). Identifiers: Orphanet 791, MedGen C0035334, MeSH D012174, MONDO:0019200, OMIM 268000. Inheritance: Autosomal dominant, autosomal recessive and X linked inheritance.

Allele frequency attached by ClinVar (database versions not stated): gnomAD exomes 0.00196; ExAC 0.00265; 1000 Genomes Project 0.00819; gnomAD 0.00828 and 0.00893; TOPMed 0.00934; ESP Exome Variant Server 0.00942; 1000 Genomes Project 30x 0.00953.
gnomAD v4.1: 2,425 of 1,608,506 alleles (0.15%); highest among the groups gnomAD compares: African/African-American, 3%; 48 homozygotes.

Submission:

Illumina Laboratory Services, Illumina
Classification: Benign for Retinitis pigmentosa. Last evaluated: 2018-01-13. Review status: criteria provided, single submitter. Criteria: ICSL Variant Classification Criteria 13 December 2019. Collection method: clinical testing. Allele origin: germline.
Comment: This variant was observed in the ICSL laboratory as part of a predisposition screen in an ostensibly healthy population. It had not been previously curated by ICSL or reported in the Human Gene Mutation Database (HGMD: prior to June 1st, 2018), and was therefore a candidate for classification through an automated scoring system. Utilizing variant allele frequency, disease prevalence and penetrance estimates, and inheritance mode, an automated score was calculated to assess if this variant is too frequent to cause the disease. Based on the score and internal cut-off values, a variant classified as benign is not then subjected to further curation. The score for this variant resulted in a classification of benign for this disease.